The following is an entry in ClinVar:

ClinVar aggregate classification (germline): Uncertain significance (1 of 4 stars; one submission).

Submission:

Women's Health and Genetics/Laboratory Corporation of America, LabCorp
Classification: Uncertain significance. Last evaluated: 2024-11-25. Review status: criteria provided, single submitter. Criteria: LabCorp Variant Classification Summary - May 2015. Collection method: clinical testing. Allele origin: germline.
Comment: Variant summary: COX6A2 c.2T>C (p.Met1Thr) alters the initiation codon and is predicted to result either in absence of the protein or truncation of the encoded protein due to translation initiation at a downstream codon. However, available evidence is not sufficient to establish loss of function as a mechanism of disease. Three of three in-silico tools predict a damaging effect of the variant on protein function. The variant allele was found at a frequency of 0.0005 in 225944 control chromosomes. This frequency is not significantly higher than estimated for a pathogenic variant in COX6A2 causing Mitochondrial Complex 4 Deficiency, Nuclear Type 18, allowing no conclusion about variant significance. To our knowledge, no occurrence of c.2T>C in individuals affected with Mitochondrial Complex 4 Deficiency, Nuclear Type 18 and no experimental evidence demonstrating its impact on protein function have been reported. No submitters have cited clinical-significance assessments for this variant to ClinVar. Based on the evidence outlined above, the variant was classified as uncertain significance.

NM_005205.4(COX6A2):c.2T>C (p.Met1Thr)

Gene: COX6A2 (cytochrome c oxidase subunit 6A2; minus strand). Cytogenetic location: 16p11.2.
Variant type: single nucleotide variant.
Coding change: c.2T>C on transcript NM_005205.4 (MANE Select); coding-DNA position 2, T replaced by C.
Protein change: p.Met1Thr; changes the start codon (methionine 1).
Molecular consequence: missense variant, initiator codon variant.
Genome position (GRCh38, 1-based): chr16:31,428,324, A>G on the plus strand (T>C on the coding strand, the complement: COX6A2 is on the minus strand). VCF-style: chr16-31428324-A-G. GRCh37 (hg19) VCF-style: chr16-31439645-A-G.
Other names: short protein forms M1T.
Identifiers: ClinVar variation 3629904 (VCV003629904.1).
Genomic context (GRCh38, chr16:31,428,324, plus strand): 5'-CCGTGGCCTCCTTTGGCAGCGCTGGCCAAGCCCCGGGTCAGGGGCCTCAGAGGCAAAGCC[A>G]TGATGGTGCGGGGAGCCGGGAACCAGCGCTGTCCTCGCTCCCTTTCCTGGGGCCTGGGGT-3'
Protein context (NP_005196.1, residues 1-11): [Met1Thr]ALPLRPLTRG